The following is an entry in ClinVar:

ClinVar aggregate classification (germline): Likely pathogenic (1 of 4 stars; one submission).

Allele frequency attached by ClinVar (database versions not stated): TOPMed below 0.00001; gnomAD 0.00001.

Submission:

GeneDx
Classification: Likely pathogenic. Last evaluated: 2017-05-15. Review status: criteria provided, single submitter. Criteria: GeneDx Variant Classification (06012015). Collection method: clinical testing. Allele origin: germline. Affected: yes.
Comment: A variant that is likely pathogenic has been identified in the NTRK1 gene. The c.119_120insT variant is not observed in large population cohorts (Lek et al., 2016; 1000 Genomes Consortium et al., 2015; Exome Variant Server). The c.119_120insT variant causes a frameshift starting with codon Cysteine 41, changes this amino acid to a Leucine residue and creates a premature Stop codon at position 18 of the new reading frame, denoted p.Cys41LeufsX18. This likely pathogenic variant is predicted to cause loss of normal protein function either through protein truncation or nonsense-mediated mRNA decay. Therefore, this variant is likely pathogenic; however, the possibility that it is benign cannot be excluded.

NM_002529.4(NTRK1):c.119_120insT (p.Cys41fs)

Gene: NTRK1 (neurotrophic receptor tyrosine kinase 1; plus strand). Cytogenetic location: 1q23.1.
Variant type: Insertion.
Coding change: c.119_120insT on transcript NM_002529.4 (MANE Select); coding-DNA positions 119 to 120, T inserted.
Protein change: p.Cys41fs; shifts the reading frame from cysteine 41.
Molecular consequence: frameshift variant. On other transcripts: intron variant (1).
Genome position: GRCh38 VCF-style: chr1-156861053-G-GT. GRCh37 (hg19) VCF-style: chr1-156830845-G-GT.
Other names: c.119_120insT, p.Cys41fs (NM_001012331.2); c.123-3301_123-3300insT (NM_001007792.1); short protein forms C41fs.
Identifiers: ClinVar variation 429790 (VCV000429790.2), dbSNP rs1131691595, ClinGen allele CA645369168.
Genomic context (GRCh38, chr1:156,861,053, plus strand): 5'-GCAGCCTGCTGGCTTGGCTGATACTGGCATCTGCGGGCGCCGCACCCTGCCCCGATGCCT[G>GT]CTGCCCCCACGGCTCCTCGGGACTGCGATGCACCCGGGATGGGGCCCTGGATAGCCTCCA-3'